The following is an entry in ClinVar:

NM_000179.3(MSH6):c.1469A>T (p.Glu490Val)

Gene: MSH6 (mutS homolog 6; plus strand). Cytogenetic location: 2p16.3.
Variant type: single nucleotide variant.
Coding change: c.1469A>T on transcript NM_000179.3 (MANE Select); coding-DNA position 1469, A replaced by T.
Protein change: p.Glu490Val; replaces glutamic acid 490 with valine.
Molecular consequence: missense variant. On other transcripts: non-coding transcript variant (4), intron variant (1).
Genome position (GRCh38, 1-based): chr2:47,799,452, A>T. VCF-style: chr2-47799452-A-T. GRCh37 (hg19) VCF-style: chr2-48026591-A-T.
Other names: c.1079A>T, p.Glu360Val (NM_001281492.2); c.563A>T, p.Glu188Val (NM_001281493.2, NM_001281494.2, NM_001406811.1 and 6 more transcripts); c.1565A>T, p.Glu522Val (NM_001406795.1, NM_001406802.1); c.1469A>T, p.Glu490Val (NM_001406796.1, NM_001406798.1, NM_001406800.1 and 4 more transcripts); c.1172A>T, p.Glu391Val (NM_001406797.1, NM_001406801.1, NM_001406805.1 and 10 more transcripts); c.944A>T, p.Glu315Val (NM_001406799.1, NM_001406806.1, NM_001406807.1); c.1391A>T, p.Glu464Val (NM_001406804.1); c.1475A>T, p.Glu492Val (NM_001406813.1); and 2 more; short protein forms E188V, E315V, E360V, E391V, E434V, E464V, E490V, E492V.
Identifiers: ClinVar variation 3230501 (VCV003230501.1), dbSNP rs2530611527, ClinGen allele CA346745887.

ClinVar aggregate classification (germline): Uncertain significance (1 of 4 stars; one submission).

Conditions:
Hereditary cancer-predisposing syndrome. Also called: Neoplastic Syndromes, Hereditary; Tumor predisposition; Hereditary neoplastic syndrome; Hereditary Cancer Syndrome. Identifiers: Orphanet 140162, MedGen C0027672, MeSH D009386, MONDO:0015356.

Submission:

Ambry Genetics
Classification: Uncertain significance for Hereditary cancer-predisposing syndrome. Last evaluated: 2024-01-07. Review status: criteria provided, single submitter. Criteria: Ambry Variant Classification Scheme 2023. Collection method: clinical testing. Allele origin: germline.
Comment: The p.E490V variant (also known as c.1469A>T), located in coding exon 4 of the MSH6 gene, results from an A to T substitution at nucleotide position 1469. The glutamic acid at codon 490 is replaced by valine, an amino acid with dissimilar properties. This amino acid position is conserved. In addition, this alteration is predicted to be deleterious by in silico analysis. Since supporting evidence is limited at this time, the clinical significance of this alteration remains unclear.